The following is an entry in ClinVar:

NM_001360016.2(G6PD):c.1463G>T (p.Gly488Val)

Gene: G6PD (glucose-6-phosphate dehydrogenase; minus strand). Cytogenetic location: Xq28.
Variant type: single nucleotide variant.
Coding change: c.1463G>T on transcript NM_001360016.2 (MANE Select); coding-DNA position 1463, G replaced by T.
Protein change: p.Gly488Val; replaces glycine 488 with valine.
Molecular consequence: missense variant.
Genome position (GRCh38, 1-based): chrX:154,532,085, C>A on the plus strand (G>T on the coding strand, the complement: G6PD is on the minus strand). VCF-style: chrX-154532085-C-A. GRCh37 (hg19) VCF-style: chrX-153760300-C-A.
Other names: G6PD Campinas; c.1553G>T, p.Gly518Val (NM_000402.4); c.1463G>T, p.Gly488Val (NM_001042351.3); short protein forms G488V, G518V.
Identifiers: ClinVar variation 1722688 (VCV001722688.2), dbSNP rs2523260651, ClinGen allele CA415232140.

ClinVar aggregate classification (germline): Pathogenic (1 of 4 stars; one submission).

Conditions:
Anemia, nonspherocytic hemolytic, due to G6PD deficiency (CNSHA1). Also called: Hemolytic anemia due to G6PD deficiency; Class I glucose-6-phosphate dehydrogenase deficiency; Favism, susceptibility to; ANEMIA, CONGENITAL, NONSPHEROCYTIC HEMOLYTIC, 1. Identifiers: Orphanet 466026, MedGen C2720289, MONDO:0010480, OMIM 300908.

Submission:

Dunham Lab, University of Washington
Classification: Pathogenic for Anemia, nonspherocytic hemolytic, due to G6PD deficiency. Last evaluated: 2022-08-12. Review status: criteria provided, single submitter. Criteria: Bayesian ACMG Guidelines, 2018. Collection method: curation. Allele origin: maternal. Affected: yes.
Comment: No detectable activity in red blood cells of hemizygote (PS3); Within NADP structural site (PM1). Not found in gnomAD (PM2). Post_P 0.994 (odds of pathogenicity 1517, Prior_P 0.1).

Literature cited by the submitters: PubMed 8477268; PubMed 22293322.